The following is an entry in ClinVar:

ClinVar aggregate classification (germline): Pathogenic (1 of 4 stars; one submission).

Conditions:
Abetalipoproteinaemia (ABL). Also called: MTP DEFICIENCY; Abetalipoproteinemia; Abetalipoproteinemia neuropathy; Apolipoprotein B deficiency; Congenital betalipoprotein deficiency syndrome. Identifiers: Orphanet 14, MedGen C0000744, MONDO:0008692, OMIM 200100, HP:0008181.

Submission:

Myriad Genetics, Inc.
Classification: Pathogenic for Abetalipoproteinaemia. Last evaluated: 2024-05-14. Review status: criteria provided, single submitter. Criteria: Myriad Autosomal Dominant, Autosomal Recessive and X-Linked Classification Criteria (2023). Collection method: clinical testing. Allele origin: unknown.
Comment: NM_000253.2(MTTP):c.798_799ins7(L267Kfs*17) is expected to be pathogenic in the context of abetalipoproteinemia. This variant is predicted to lead to an abnormal or absent protein product due to the creation of a premature termination codon in MTTP, a gene where loss-of-function variants are known to be pathogenic. Please note: this variant was assessed in the context of healthy population screening.

NM_001386140.1(MTTP):c.798_799insAAGGAGG (p.Leu267fs)

Gene: MTTP (microsomal triglyceride transfer protein; plus strand). Cytogenetic location: 4q23.
Variant type: Insertion.
Coding change: c.798_799insAAGGAGG on transcript NM_001386140.1 (MANE Select); coding-DNA positions 798 to 799, AAGGAGG inserted.
Protein change: p.Leu267fs; shifts the reading frame from leucine 267.
Molecular consequence: frameshift variant.
Genome position: GRCh38 VCF-style: chr4-99594772-A-AAAGGAGG. GRCh37 (hg19) VCF-style: chr4-100515929-A-AAAGGAGG.
Other names: c.798_799insAAGGAGG, p.Leu267fs (NM_000253.4); c.549_550insAAGGAGG, p.Leu184fs (NM_001300785.2); short protein forms L184fs, L267fs.
Identifiers: ClinVar variation 5010557 (VCV005010557.1).